The following is an entry in ClinVar:

ClinVar aggregate classification (germline): Conflicting classifications of pathogenicity. Review status: criteria provided, conflicting classifications (1 of 4 stars). 5 submissions from 5 submitters: Uncertain significance (1); Benign (2); Likely benign (1). 1 of the submissions does not count toward it. Last evaluated 2026-01-19.

Conditions:
SLC52A1-related disorder. Also called: SLC52A1-related condition.
Ariboflavinosis. Identifiers: MedGen C5779638, MONDO:0004573, OMIM 615026.
Vitamin B2 deficiency. Identifiers: MedGen C0035528.

Allele frequency attached by ClinVar (database versions not stated): 1000 Genomes Project 0.00080; ExAC 0.00232; gnomAD 0.00204; TOPMed 0.00209; gnomAD exomes 0.00223; ESP Exome Variant Server 0.00315; 1000 Genomes Project 30x 0.00078.
gnomAD v4.1: 5,139 of 1,613,586 alleles (0.32%); highest among the groups gnomAD compares: Non-Finnish European, 0.38%; 15 homozygotes.

Submissions (5):

Labcorp Genetics (formerly Invitae), Labcorp
Classification: Benign for Vitamin B2 deficiency. Last evaluated: 2026-01-19. Review status: criteria provided, single submitter. Criteria: Invitae Variant Classification Sherloc (09022015). Collection method: clinical testing. Allele origin: germline.

Mayo Clinic Laboratories, Mayo Clinic
Classification: Uncertain significance. Last evaluated: 2025-06-20. Review status: criteria provided, single submitter. Criteria: ACMG Guidelines, 2015. Collection method: clinical testing. Allele origin: germline. Observed: 1 variant allele.
Comment: BS2, BP4, BP7

PreventionGenetics, part of Exact Sciences
Classification: Likely benign for SLC52A1-related condition. Last evaluated: 2025-04-08. Review status: criteria provided, single submitter. Criteria: ACMG Guidelines, 2015. Collection method: clinical testing. Allele origin: germline.
Comment: This variant is classified as likely benign based on ACMG/AMP sequence variant interpretation guidelines (Richards et al. 2015 PMID: 25741868, with internal and published modifications).

ARUP Laboratories, Molecular Genetics and Genomics, ARUP Laboratories
Classification: Benign for Ariboflavinosis. Last evaluated: 2023-09-05. Review status: criteria provided, single submitter. Criteria: ARUP Molecular Germline Variant Investigation Process 2024. Collection method: clinical testing. Allele origin: germline.

OMIM
Classification: Pathogenic for RIBOFLAVIN DEFICIENCY. Last evaluated: 2018-03-07. Review status: no assertion criteria provided. Collection method: literature only. Allele origin: germline. Not counted in ClinVar's aggregate classification.

Literature cited by the submitters: PubMed 29122468 (cited by Mayo Clinic Laboratories, Mayo Clinic and OMIM); PubMed 37510312 (cited by Mayo Clinic Laboratories, Mayo Clinic).

NM_017986.4(SLC52A1):c.1134+11G>A

Gene: SLC52A1 (solute carrier family 52 member 1; minus strand). Cytogenetic location: 17p13.2.
Variant type: single nucleotide variant.
Coding change: c.1134+11G>A on transcript NM_017986.4 (MANE Select); 11 bases into the intron after coding-DNA position 1134, G replaced by A.
Molecular consequence: intron variant.
Genome position (GRCh38, 1-based): chr17:5,033,250, C>T on the plus strand (G>A on the coding strand, the complement: SLC52A1 is on the minus strand). VCF-style: chr17-5033250-C-T. GRCh37 (hg19) VCF-style: chr17-4936545-C-T.
Other names: p.?; IVS4, G-A, +11 (rs141935493); c.1134+11G>A (NM_001104577.1, NM_001104577.2).
Identifiers: ClinVar variation 488359 (VCV000488359.14), dbSNP rs141935493, ClinGen allele CA8319623.